The following is an entry in ClinVar:

NM_001048174.2(MUTYH):c.71A>T (p.Lys24Met)

Gene: MUTYH (mutY DNA glycosylase; minus strand). Cytogenetic location: 1p34.1.
Variant type: single nucleotide variant.
Coding change: c.71A>T on transcript NM_001048174.2 (MANE Select); coding-DNA position 71, A replaced by T.
Protein change: p.Lys24Met; replaces lysine 24 with methionine.
Molecular consequence: missense variant. On other transcripts: 5 prime UTR variant (7), non-coding transcript variant (7).
Genome position (GRCh38, 1-based): chr1:45,334,435, T>A on the plus strand (A>T on the coding strand, the complement: MUTYH is on the minus strand). VCF-style: chr1-45334435-T-A. GRCh37 (hg19) VCF-style: chr1-45800107-T-A.
Other names: c.71A>T, p.Lys24Met (NM_001048171.2, NM_001407070.1, NM_001407071.1 and 15 more transcripts); c.-137A>T (NM_001350651.2, NM_001407082.1); c.113A>T, p.Lys38Met (NM_001407069.1, NM_001407073.1, NM_012222.3 and 2 more transcripts); c.-86A>T (NM_001407075.1); c.89A>T, p.Lys30Met (NM_001407087.1); c.-142A>T (NM_001407091.1, NM_001293192.2, NM_001293196.2); c.-201A>T (NM_001350650.2); short protein forms K38M, K24M, K30M.
Identifiers: ClinVar variation 4113048 (VCV004113048.1).

ClinVar aggregate classification (germline): Uncertain significance (1 of 4 stars; one submission).

Conditions:
Hereditary cancer-predisposing syndrome. Also called: Tumor predisposition; Neoplastic Syndromes, Hereditary; Hereditary neoplastic syndrome; Hereditary Cancer Syndrome. Identifiers: Orphanet 140162, MedGen C0027672, MeSH D009386, MONDO:0015356.

Submission:

Ambry Genetics
Classification: Uncertain significance for Hereditary cancer-predisposing syndrome. Last evaluated: 2025-08-27. Review status: criteria provided, single submitter. Criteria: Ambry Variant Classification Scheme 2023. Collection method: clinical testing. Allele origin: germline.
Comment: The p.K38M variant (also known as c.113A>T), located in coding exon 2 of the MUTYH gene, results from an A to T substitution at nucleotide position 113. The lysine at codon 38 is replaced by methionine, an amino acid with similar properties. This amino acid position is conserved. In addition, this alteration is predicted to be tolerated by in silico analysis. Based on the available evidence, the clinical significance of this variant remains unclear.